The following is an entry in ClinVar:

NM_025179.4(PLXNA2):c.3991G>T (p.Asp1331Tyr)

Gene: PLXNA2 (plexin A2; minus strand). Cytogenetic location: 1q32.2.
Variant type: single nucleotide variant.
Coding change: c.3991G>T on transcript NM_025179.4 (MANE Select); coding-DNA position 3991, G replaced by T.
Protein change: p.Asp1331Tyr; replaces aspartic acid 1331 with tyrosine.
Molecular consequence: missense variant.
Genome position (GRCh38, 1-based): chr1:208,043,087, C>A on the plus strand (G>T on the coding strand, the complement: PLXNA2 is on the minus strand). VCF-style: chr1-208043087-C-A. GRCh37 (hg19) VCF-style: chr1-208216432-C-A.
Other names: short protein forms D1331Y.
Identifiers: ClinVar variation 4995955 (VCV004995955.1).

ClinVar aggregate classification (germline): Uncertain significance (1 of 4 stars; one submission).

Conditions:
PLXNA2-related disorder. Also called: PLXNA2-related condition.

Submission:

PreventionGenetics, part of Exact Sciences
Classification: Uncertain significance for PLXNA2-related condition. Last evaluated: 2026-01-19. Review status: criteria provided, single submitter. Criteria: ACMG Guidelines, 2015. Collection method: clinical testing. Allele origin: germline.
Comment: The PLXNA2 c.3991G>T variant is predicted to result in the amino acid substitution p.Asp1331Tyr. To our knowledge, this variant has not been reported in the literature or in a large population database (gnomAD), indicating this variant is rare. At this time, the clinical significance of this variant is uncertain due to the absence of conclusive functional and genetic evidence.